The following is an entry in ClinVar:

NM_001198.4(PRDM1):c.1061G>A (p.Ser354Asn)

Gene: PRDM1 (PR/SET domain 1; plus strand). Cytogenetic location: 6q21.
Variant type: single nucleotide variant.
Coding change: c.1061G>A on transcript NM_001198.4 (MANE Select); coding-DNA position 1061, G replaced by A.
Protein change: p.Ser354Asn; replaces serine 354 with asparagine.
Molecular consequence: missense variant.
Genome position (GRCh38, 1-based): chr6:106,105,221, G>A. VCF-style: chr6-106105221-G-A. GRCh37 (hg19) VCF-style: chr6-106553096-G-A.
Other names: c.659G>A, p.Ser220Asn (NM_182907.3); short protein forms S354N, S220N.
Identifiers: ClinVar variation 135086 (VCV000135086.1), dbSNP rs143040512, ClinGen allele CA161638.

ClinVar aggregate classification (germline): not provided (0 of 4 stars; one submission).

Allele frequency attached by ClinVar (database versions not stated): 1000 Genomes Project 30x 0.00593; 1000 Genomes Project 0.00599; gnomAD 0.00996 and 0.01013; ExAC 0.01099; gnomAD exomes 0.01099 and 0.01427; TOPMed 0.01102; ESP Exome Variant Server 0.01230.
gnomAD v4.1: 22,349 of 1,613,678 alleles (1.4%); highest among the groups gnomAD compares: Middle Eastern, 2.6%; 203 homozygotes.

Submission:

ITMI
No classification provided. Condition: AllHighlyPenetrant. Last evaluated: 2013-09-19. Review status: no classification provided. Collection method: reference population. Allele origin: germline.
Comment: Please see associated publication for description of ethnicities

Literature cited by the submitters: PubMed 24728327.